The following is an entry in ClinVar:

ClinVar aggregate classification (germline): Uncertain significance (1 of 4 stars; one submission).

Allele frequency attached by ClinVar (database versions not stated): gnomAD exomes 0.00001.
gnomAD v4.1: 7 of 1,613,490 alleles (0.00043%); highest among the groups gnomAD compares: Non-Finnish European, 0.00059%; no homozygotes.

Submission:

Labcorp Genetics (formerly Invitae), Labcorp
Classification: Uncertain significance. Last evaluated: 2024-10-21. Review status: criteria provided, single submitter. Criteria: Invitae Variant Classification Sherloc (09022015). Collection method: clinical testing. Allele origin: germline.
Comment: This sequence change replaces histidine, which is basic and polar, with aspartic acid, which is acidic and polar, at codon 715 of the TCIRG1 protein (p.His715Asp). This variant is not present in population databases (gnomAD no frequency). This variant has not been reported in the literature in individuals affected with TCIRG1-related conditions. ClinVar contains an entry for this variant (Variation ID: 1490627). Invitae Evidence Modeling of protein sequence and biophysical properties (such as structural, functional, and spatial information, amino acid conservation, physicochemical variation, residue mobility, and thermodynamic stability) indicates that this missense variant is not expected to disrupt TCIRG1 protein function with a negative predictive value of 80%. In summary, the available evidence is currently insufficient to determine the role of this variant in disease. Therefore, it has been classified as a Variant of Uncertain Significance.

NM_006019.4(TCIRG1):c.2143C>G (p.His715Asp)

Gene: TCIRG1 (T cell immune regulator 1, ATPase H+ transporting V0 subunit a3; plus strand). Cytogenetic location: 11q13.2.
Variant type: single nucleotide variant.
Coding change: c.2143C>G on transcript NM_006019.4 (MANE Select); coding-DNA position 2143, C replaced by G.
Protein change: p.His715Asp; replaces histidine 715 with aspartic acid.
Molecular consequence: missense variant.
Genome position (GRCh38, 1-based): chr11:68,050,161, C>G. VCF-style: chr11-68050161-C-G. GRCh37 (hg19) VCF-style: chr11-67817628-C-G.
Other names: c.1249C>G, p.His417Asp (NM_001351059.2); c.1495C>G, p.His499Asp (NM_006053.4); short protein forms H715D, H499D, H417D.
Identifiers: ClinVar variation 1490627 (VCV001490627.7), dbSNP rs2134464515, ClinGen allele CA381590148.